The following is an entry in ClinVar:

NM_004336.5(BUB1):c.867A>G (p.Leu289=)

Gene: BUB1 (BUB1 mitotic checkpoint serine/threonine kinase; minus strand). Cytogenetic location: 2q13.
Variant type: single nucleotide variant.
Coding change: c.867A>G on transcript NM_004336.5 (MANE Select); coding-DNA position 867, A replaced by G.
Protein change: p.Leu289=; no amino-acid change (leucine 289 retained).
Molecular consequence: synonymous variant.
Genome position (GRCh38, 1-based): chr2:110,666,353, T>C on the plus strand (A>G on the coding strand, the complement: BUB1 is on the minus strand). VCF-style: chr2-110666353-T-C. GRCh37 (hg19) VCF-style: chr2-111423930-T-C.
Other names: c.807A>G, p.Leu269= (NM_001278616.2); c.867A>G, p.Leu289= (NM_001278617.2).
Identifiers: ClinVar variation 1764259 (VCV001764259.4), dbSNP rs774517902, ClinGen allele CA1828223.
Genomic context (GRCh38, chr2:110,666,353, plus strand): 5'-CTCATGGGATGTCTCCACCACCTGATGCAACTTCTTATGAAGTTCATCCATTTTCTGTTT[T>C]AATAGCTGTTCTTCAAAAGCATTTGCTTCTTTCCTTTTCATATAATGTCTGTCTTCATTT-3'
Protein context (NP_004327.1, residues 279-299): KEANAFEEQL[Leu289=]KQKMDELHKK

ClinVar aggregate classification (germline): Conflicting classifications of pathogenicity. Review status: criteria provided, conflicting classifications (1 of 4 stars). 2 submissions from 2 submitters: Uncertain significance (1); Likely benign (1). Last evaluated 2024-08-28.

Allele frequency attached by ClinVar (database versions not stated): gnomAD exomes 0.00001; ExAC 0.00002; TOPMed 0.00002.
gnomAD v4.1: 5 of 1,541,888 alleles (0.00032%); highest among the groups gnomAD compares: Admixed American, 0.0095%; no homozygotes.

Submissions (2):

Labcorp Genetics (formerly Invitae), Labcorp
Classification: Uncertain significance. Last evaluated: 2024-08-28. Review status: criteria provided, single submitter. Criteria: Invitae Variant Classification Sherloc (09022015). Collection method: clinical testing. Allele origin: germline.
Comment: This sequence change affects codon 289 of the BUB1 mRNA. It is a 'silent' change, meaning that it does not change the encoded amino acid sequence of the BUB1 protein. The frequency data for this variant in the population databases is considered unreliable, as metrics indicate poor data quality at this position in the gnomAD database. This variant has not been reported in the literature in individuals affected with BUB1-related conditions. ClinVar contains an entry for this variant (Variation ID: 1764259). Experimental studies and prediction algorithms are not available or were not evaluated, and the effect of this variant on mRNA splicing is currently unknown. In summary, the available evidence is currently insufficient to determine the role of this variant in disease. Therefore, it has been classified as a Variant of Uncertain Significance.

Ambry Genetics
Classification: Likely benign. Last evaluated: 2022-02-27. Review status: criteria provided, single submitter. Criteria: Ambry Variant Classification Scheme 2023. Collection method: clinical testing. Allele origin: germline.